The following is an entry in ClinVar:

ClinVar aggregate classification (germline): Uncertain significance (1 of 4 stars; one submission).

Submission:

Labcorp Genetics (formerly Invitae), Labcorp
Classification: Uncertain significance. Last evaluated: 2023-05-22. Review status: criteria provided, single submitter. Criteria: Invitae Variant Classification Sherloc (09022015). Collection method: clinical testing. Allele origin: germline.
Comment: In summary, the available evidence is currently insufficient to determine the role of this variant in disease. Therefore, it has been classified as a Variant of Uncertain Significance. An algorithm developed to predict the effect of missense changes on protein structure and function (PolyPhen-2) suggests that this variant is likely to be disruptive. ClinVar contains an entry for this variant (Variation ID: 1920505). This variant has not been reported in the literature in individuals affected with NIN-related conditions. This variant is not present in population databases (gnomAD no frequency). This sequence change replaces glutamine, which is neutral and polar, with glutamic acid, which is acidic and polar, at codon 1602 of the NIN protein (p.Gln1602Glu).

NM_020921.4(NIN):c.4804C>G (p.Gln1602Glu)

Gene: NIN (ninein; minus strand). Cytogenetic location: 14q22.1.
Variant type: single nucleotide variant.
Coding change: c.4804C>G on transcript NM_020921.4 (MANE Select); coding-DNA position 4804, C replaced by G.
Protein change: p.Gln1602Glu; replaces glutamine 1602 with glutamic acid.
Molecular consequence: missense variant.
Genome position (GRCh38, 1-based): chr14:50,752,664, G>C on the plus strand (C>G on the coding strand, the complement: NIN is on the minus strand). VCF-style: chr14-50752664-G-C. GRCh37 (hg19) VCF-style: chr14-51219382-G-C.
Other names: c.2665C>G, p.Gln889Glu (NM_016350.5); c.4804C>G, p.Gln1602Glu (NM_182944.3, NM_182946.2); short protein forms Q1602E, Q889E.
Identifiers: ClinVar variation 1920505 (VCV001920505.5), dbSNP rs894730438, ClinGen allele CA260825163.
Genomic context (GRCh38, chr14:50,752,664, plus strand): 5'-CCTTCTGGCATAGCATTTCTGTTAGACGTTGATTAAGTTCTTGCAGTTTTTCCTGGTTTT[G>C]AGAGTTCTTTTGGCTAAGTTCTGTATTTTCCAAATCCAATTGTTGGTTTTTGATTTTTAA-3'
Protein context (NP_065972.4, residues 1592-1612): ENTELSQKNS[Gln1602Glu]NQEKLQELNQ